The following is an entry in ClinVar:

ClinVar aggregate classification (germline): Uncertain significance (1 of 4 stars; one submission).

gnomAD v4.1: 1 of 152,208 alleles (0.00066%); highest among the groups gnomAD compares: Non-Finnish European, 0.0015%; no homozygotes.

Submission:

Labcorp Genetics (formerly Invitae), Labcorp
Classification: Uncertain significance. Last evaluated: 2022-07-20. Review status: criteria provided, single submitter. Criteria: Invitae Variant Classification Sherloc (09022015). Collection method: clinical testing. Allele origin: germline.
Comment: This variant occurs in a non-coding region of the EYS gene. It does not change the encoded amino acid sequence of the EYS protein. This variant is not present in population databases (gnomAD no frequency). This variant has not been reported in the literature in individuals affected with EYS-related conditions. In summary, the available evidence is currently insufficient to determine the role of this variant in disease. Therefore, it has been classified as a Variant of Uncertain Significance.

NM_001142800.2(EYS):c.-337T>C

Gene: EYS (eyes shut homolog; minus strand). Cytogenetic location: 6q12.
Variant type: single nucleotide variant.
Coding change: c.-337T>C on transcript NM_001142800.2 (MANE Select); 337 bases upstream of the start codon, T replaced by C.
Molecular consequence: 5 prime UTR variant.
Genome position (GRCh38, 1-based): chr6:65,639,782, A>G on the plus strand (T>C on the coding strand, the complement: EYS is on the minus strand). VCF-style: chr6-65639782-A-G. GRCh37 (hg19) VCF-style: chr6-66349675-A-G.
Other names: c.-337T>C (NM_001142801.2, NM_001292009.2).
Identifiers: ClinVar variation 2144250 (VCV002144250.1), dbSNP rs145321084, ClinGen allele CA140452323.